The following is an entry in ClinVar:

ClinVar aggregate classification (germline): Uncertain significance (1 of 4 stars; one submission).

Conditions:
Epidermolysis bullosa simplex 5B, with muscular dystrophy (EBS5B). Also called: EPIDERMOLYSIS BULLOSA SIMPLEX AND LIMB-GIRDLE MUSCULAR DYSTROPHY; Epidermolysis bullosa simplex with muscular dystrophy. Identifiers: Orphanet 257, MedGen C2931072, MONDO:0009181, OMIM 226670.
Epidermolysis bullosa simplex, Ogna type (EBS5A). Also called: Pidermolysis bullosa simplex 5A, Ogna type; EPIDERMOLYSIS BULLOSA SIMPLEX 5A, OGNA TYPE. Identifiers: Orphanet 79401, MedGen C0432317, MONDO:0007555, OMIM 131950.
Epidermolysis bullosa simplex with nail dystrophy (EBS5D). Identifiers: MedGen C4225309, MONDO:0014661, OMIM 616487.
Epidermolysis bullosa simplex 5C, with pyloric atresia (EBS5C). Also called: PLEC1-Related Epidermolysis Bullosa with Pyloric Atresia; Epidermolysis bullosa simplex with pyloric atresia; PLEC-Related Epidermolysis Bullosa with Pyloric Atresia. Identifiers: Orphanet 158684, MedGen C2677349, MONDO:0012807, OMIM 612138.
Autosomal recessive limb-girdle muscular dystrophy type 2Q (LGMDR17). Also called: MUSCULAR DYSTROPHY, LIMB-GIRDLE, AUTOSOMAL RECESSIVE 17. Identifiers: Orphanet 254361, MedGen C3150989, MONDO:0013390, OMIM 613723.

Submission:

Labcorp Genetics (formerly Invitae), Labcorp
Classification: Uncertain significance for Autosomal recessive limb-girdle muscular dystrophy type 2Q; Epidermolysis bullosa simplex, Ogna type; Epidermolysis bullosa simplex with nail dystrophy; Epidermolysis bullosa simplex 5C, with pyloric atresia; Epidermolysis bullosa simplex 5B, with muscular dystrophy. Last evaluated: 2021-07-27. Review status: criteria provided, single submitter. Criteria: Invitae Variant Classification Sherloc (09022015). Collection method: clinical testing. Allele origin: germline.
Comment: In summary, the available evidence is currently insufficient to determine the role of this variant in disease. Therefore, it has been classified as a Variant of Uncertain Significance. Experimental studies and prediction algorithms are not available or were not evaluated, and the functional significance of this variant is currently unknown. This variant has not been reported in the literature in individuals affected with PLEC-related conditions. This variant is present in population databases (rs782639127, ExAC 0.002%). This variant, c.6896_6898del, results in the deletion of 1 amino acid(s) of the PLEC protein (p.Lys2299del), but otherwise preserves the integrity of the reading frame.

NM_201384.3(PLEC):c.6812AGA[1] (p.Lys2272del)

Gene: PLEC (plectin; minus strand). Cytogenetic location: 8q24.3.
Variant type: Microsatellite.
Coding change: c.6812AGA[1] on transcript NM_201384.3 (MANE Select); one copy of the 3-base unit AGA starting at c.6812; the reference has two copies in a row; one copy, 3 bases deleted.
Protein change: p.Lys2272del; deletes lysine 2272.
Molecular consequence: inframe deletion.
Genome position (GRCh38, 1-based): chr8:143,923,112-143,923,114, TCT deleted on the plus strand (AGA on the coding strand, the reverse complement: PLEC is on the minus strand); deleting any 3 consecutive bases within chr8:143,923,112-143,923,117 gives the same sequence; the position shown is the placement nearest the transcript's 3' end. VCF-style (leftmost placement, unchanged base first): chr8-143923111-ATCT-A. GRCh37 (hg19) VCF-style: chr8-144997279-ATCT-A.
Other names: c.6893AGA[1], p.Lys2299del (NM_000445.5); c.6770AGA[1], p.Lys2258del (NM_201378.4); c.6746AGA[1], p.Lys2250del (NM_201379.3); c.7223AGA[1], p.Lys2409del (NM_201380.4); c.6716AGA[1], p.Lys2240del (NM_201381.3); c.6812AGA[1], p.Lys2272del (NM_201382.4); c.6824AGA[1], p.Lys2276del (NM_201383.3); short protein forms K2258del, K2299del, K2272del, K2240del, K2276del, K2250del, K2409del.
Identifiers: ClinVar variation 1428693 (VCV001428693.8), dbSNP rs782639127, ClinGen allele CA4925844.